The following is an entry in ClinVar:

NM_000136.3(FANCC):c.571A>C (p.Ile191Leu)

Genes: FANCC (FA complementation group C; minus strand), AOPEP (aminopeptidase O (putative); plus strand). Cytogenetic location: 9q22.32.
Variant type: single nucleotide variant.
Coding change: c.571A>C on transcript NM_000136.3 (MANE Select); coding-DNA position 571, A replaced by C.
Protein change: p.Ile191Leu; replaces isoleucine 191 with leucine.
Molecular consequence: missense variant.
Genome position (GRCh38, 1-based): chr9:95,150,038, T>G on the plus strand (A>C on the coding strand, the complement: FANCC is on the minus strand). VCF-style: chr9-95150038-T-G. GRCh37 (hg19) VCF-style: chr9-97912320-T-G.
Other names: c.571A>C, p.Ile191Leu (NM_001243743.2, NM_001243744.2); short protein forms I191L.
Identifiers: ClinVar variation 968908 (VCV000968908.14), dbSNP rs752429169, ClinGen allele CA5137690.

ClinVar aggregate classification (germline): Uncertain significance. Review status: criteria provided, multiple submitters, no conflicts (2 of 4 stars). 4 submissions from 4 submitters: Uncertain significance (3). 1 of the submissions does not count toward it. Last evaluated 2024-03-01.

Conditions:
Hereditary cancer-predisposing syndrome. Also called: Neoplastic Syndromes, Hereditary; Hereditary Cancer Syndrome; Tumor predisposition; Hereditary neoplastic syndrome. Identifiers: Orphanet 140162, MedGen C0027672, MeSH D009386, MONDO:0015356.
Fanconi anemia (FA). Also called: Fanconi's anemia. Identifiers: Orphanet 84, MedGen C0015625, MeSH D005199, MONDO:0019391.

Allele frequency attached by ClinVar (database versions not stated): ExAC 0.00001; gnomAD 0.00001.
gnomAD v4.1: 10 of 1,613,924 alleles (0.00062%); highest among the groups gnomAD compares: African/African-American, 0.0013%; no homozygotes.

Submissions (4):

Ambry Genetics
Classification: Uncertain significance for Hereditary cancer-predisposing syndrome. Last evaluated: 2024-03-01. Review status: criteria provided, single submitter. Criteria: Ambry Variant Classification Scheme 2023. Collection method: clinical testing. Allele origin: germline.
Comment: The p.I191L variant (also known as c.571A>C), located in coding exon 6 of the FANCC gene, results from an A to C substitution at nucleotide position 571. The isoleucine at codon 191 is replaced by leucine, an amino acid with highly similar properties. This amino acid position is poorly conserved in available vertebrate species. In addition, this alteration is predicted to be tolerated by in silico analysis. Since supporting evidence is limited at this time, the clinical significance of this alteration remains unclear.

Labcorp Genetics (formerly Invitae), Labcorp
Classification: Uncertain significance for Fanconi anemia. Last evaluated: 2021-08-24. Review status: criteria provided, single submitter. Criteria: Invitae Variant Classification Sherloc (09022015). Collection method: clinical testing. Allele origin: germline.
Comment: This sequence change replaces isoleucine with leucine at codon 191 of the FANCC protein (p.Ile191Leu). The isoleucine residue is weakly conserved and there is a small physicochemical difference between isoleucine and leucine. This variant is present in population databases (rs752429169, ExAC 0.002%). This variant has not been reported in the literature in individuals affected with FANCC-related conditions. Algorithms developed to predict the effect of missense changes on protein structure and function output the following: SIFT: "Tolerated"; PolyPhen-2: "Benign"; Align-GVGD: "Class C0". The leucine amino acid residue is found in multiple mammalian species, which suggests that this missense change does not adversely affect protein function. In summary, the available evidence is currently insufficient to determine the role of this variant in disease. Therefore, it has been classified as a Variant of Uncertain Significance.

GeneDx
Classification: Uncertain significance. Last evaluated: 2019-05-29. Review status: criteria provided, single submitter. Criteria: GeneDx Variant Classification Process June 2021. Collection method: clinical testing. Allele origin: germline. Affected: yes.
Comment: Not observed at a significant frequency in large population cohorts (Lek et al., 2016); In silico analysis, which includes protein predictors and evolutionary conservation, supports that this variant does not alter protein structure/function; Has not been previously published as pathogenic or benign to our knowledge

Natera, Inc.
Classification: Uncertain significance for Fanconi anemia. Last evaluated: 2021-09-17. Review status: no assertion criteria provided. Collection method: clinical testing. Allele origin: germline. Not counted in ClinVar's aggregate classification.